The following is an entry in ClinVar:

NM_003060.4(SLC22A5):c.1490G>A (p.Ser497Asn)

Gene: SLC22A5 (solute carrier family 22 member 5; plus strand). Cytogenetic location: 5q31.1.
Variant type: single nucleotide variant.
Coding change: c.1490G>A on transcript NM_003060.4 (MANE Select); coding-DNA position 1490, G replaced by A.
Protein change: p.Ser497Asn; replaces serine 497 with asparagine.
Molecular consequence: missense variant.
Genome position (GRCh38, 1-based): chr5:132,393,715, G>A. VCF-style: chr5-132393715-G-A. GRCh37 (hg19) VCF-style: chr5-131729407-G-A.
Other names: c.1562G>A, p.Ser521Asn (NM_001308122.2); short protein forms S497N, S521N.
Identifiers: ClinVar variation 3572500 (VCV003572500.1).

ClinVar aggregate classification (germline): Uncertain significance (1 of 4 stars; one submission).

Submission:

GeneDx
Classification: Uncertain significance. Last evaluated: 2024-07-09. Review status: criteria provided, single submitter. Criteria: GeneDx Variant Classification Process June 2021. Collection method: clinical testing. Allele origin: germline. Affected: yes.
Comment: Not observed at significant frequency in large population cohorts (gnomAD); In silico analysis indicates that this missense variant does not alter protein structure/function; This variant is associated with the following publications: (PMID: 34249102)